The following is an entry in ClinVar:

NM_000215.4(JAK3):c.268G>A (p.Val90Met)

Gene: JAK3 (Janus kinase 3; minus strand). Cytogenetic location: 19p13.11.
Variant type: single nucleotide variant.
Coding change: c.268G>A on transcript NM_000215.4 (MANE Select); coding-DNA position 268, G replaced by A.
Protein change: p.Val90Met; replaces valine 90 with methionine.
Molecular consequence: missense variant.
Genome position (GRCh38, 1-based): chr19:17,843,817, C>T on the plus strand (G>A on the coding strand, the complement: JAK3 is on the minus strand). VCF-style: chr19-17843817-C-T. GRCh37 (hg19) VCF-style: chr19-17954626-C-T.
Other names: short protein forms V90M.
Identifiers: ClinVar variation 1696103 (VCV001696103.6), dbSNP rs1016346013, ClinGen allele CA306141734.

ClinVar aggregate classification (germline): Uncertain significance. Review status: criteria provided, multiple submitters, no conflicts (2 of 4 stars). 3 submissions from 3 submitters: Uncertain significance (3). Last evaluated 2026-02-11.

Conditions:
Inborn genetic diseases. Identifiers: MedGen C0950123, MeSH D030342.
T-B+ severe combined immunodeficiency due to JAK3 deficiency. Also called: SCID, T CELL-NEGATIVE, B CELL-POSITIVE, NK CELL-NEGATIVE; SCID, autosomal recessive, T-negative/B-positive type. Identifiers: Orphanet 35078, MedGen C1833275, MONDO:0010938, OMIM 600802.

Allele frequency attached by ClinVar (database versions not stated): gnomAD exomes 0.00001 and 0.00003; gnomAD 0.00002 and 0.00003; TOPMed 0.00003.

Submissions (3):

Women's Health and Genetics/Laboratory Corporation of America, LabCorp
Classification: Uncertain significance. Last evaluated: 2026-02-11. Review status: criteria provided, single submitter. Criteria: LabCorp Variant Classification Summary - May 2015. Collection method: clinical testing. Allele origin: germline.
Comment: Variant summary: JAK3 c.268G>A (p.Val90Met) results in a conservative amino acid change in the encoded protein sequence. Algorithms developed to predict the effect of missense changes on protein structure and function all suggest that this variant is likely to be tolerated. The variant allele was found at a frequency of 8e-06 in 251180 control chromosomes. The available data on variant occurrences in the general population are insufficient to allow any conclusion about variant significance. c.268G>A has been observed in an individual affected with Hyper-lgE syndrome (Fernandes-Pineda_2024). This report does not provide unequivocal conclusions about association of the variant with JAK3-related conditions. To our knowledge, no experimental evidence demonstrating an impact on protein function has been reported. The following publication have been ascertained in the context of this evaluation (PMID: 39836844). ClinVar contains an entry for this variant (Variation ID: 1696103). Based on the evidence outlined above, the variant was classified as uncertain significance.

Ambry Genetics
Classification: Uncertain significance for Inborn genetic diseases. Last evaluated: 2025-04-11. Review status: criteria provided, single submitter. Criteria: Ambry Variant Classification Scheme 2023. Collection method: clinical testing. Allele origin: germline.

Labcorp Genetics (formerly Invitae), Labcorp
Classification: Uncertain significance for T-B+ severe combined immunodeficiency due to JAK3 deficiency. Last evaluated: 2022-04-01. Review status: criteria provided, single submitter. Criteria: Invitae Variant Classification Sherloc (09022015). Collection method: clinical testing. Allele origin: germline.
Comment: This sequence change replaces valine, which is neutral and non-polar, with methionine, which is neutral and non-polar, at codon 90 of the JAK3 protein (p.Val90Met). This variant is present in population databases (no rsID available, gnomAD 0.003%). This variant has not been reported in the literature in individuals affected with JAK3-related conditions. Advanced modeling of protein sequence and biophysical properties (such as structural, functional, and spatial information, amino acid conservation, physicochemical variation, residue mobility, and thermodynamic stability) performed at Invitae indicates that this missense variant is not expected to disrupt JAK3 protein function. In summary, the available evidence is currently insufficient to determine the role of this variant in disease. Therefore, it has been classified as a Variant of Uncertain Significance.

Literature cited by the submitters: PubMed 39836844 (cited by Women's Health and Genetics/Laboratory Corporation of America, LabCorp).